The following is an entry in ClinVar:

NM_018124.4(RFWD3):c.815C>T (p.Pro272Leu)

Gene: RFWD3 (ring finger and WD repeat domain 3; minus strand). Cytogenetic location: 16q23.1.
Variant type: single nucleotide variant.
Coding change: c.815C>T on transcript NM_018124.4 (MANE Select); coding-DNA position 815, C replaced by T.
Protein change: p.Pro272Leu; replaces proline 272 with leucine.
Molecular consequence: missense variant. On other transcripts: 5 prime UTR variant (5).
Genome position (GRCh38, 1-based): chr16:74,644,713, G>A on the plus strand (C>T on the coding strand, the complement: RFWD3 is on the minus strand). VCF-style: chr16-74644713-G-A. GRCh37 (hg19) VCF-style: chr16-74678611-G-A.
Other names: c.815C>T, p.Pro272Leu (NM_001370534.1, NM_001370535.1, NM_001370536.1); c.-20C>T (NM_001370537.1, NM_001370539.1, NM_001370540.1 and 2 more transcripts); short protein forms P272L.
Identifiers: ClinVar variation 3624422 (VCV003624422.2).

ClinVar aggregate classification (germline): Uncertain significance (1 of 4 stars; one submission).

gnomAD v4.1: 3 of 1,613,974 alleles (0.00019%); highest among the groups gnomAD compares: Non-Finnish European, 0.00017%; no homozygotes.

Submission:

Labcorp Genetics (formerly Invitae), Labcorp
Classification: Uncertain significance. Last evaluated: 2025-06-14. Review status: criteria provided, single submitter. Criteria: Invitae Variant Classification Sherloc (09022015). Collection method: clinical testing. Allele origin: germline.
Comment: This sequence change replaces proline, which is neutral and non-polar, with leucine, which is neutral and non-polar, at codon 272 of the RFWD3 protein (p.Pro272Leu). This variant is present in population databases (no rsID available, gnomAD 0.0009%). This variant has not been reported in the literature in individuals affected with RFWD3-related conditions. ClinVar contains an entry for this variant (Variation ID: 3624422). An algorithm developed to predict the effect of missense changes on protein structure and function (PolyPhen-2) suggests that this variant is likely to be tolerated. In summary, the available evidence is currently insufficient to determine the role of this variant in disease. Therefore, it has been classified as a Variant of Uncertain Significance.